The following is an entry in ClinVar:

NM_024753.5(TTC21B):c.2497T>C (p.Cys833Arg)

Gene: TTC21B (tetratricopeptide repeat domain 21B; minus strand). Cytogenetic location: 2q24.3.
Variant type: single nucleotide variant.
Coding change: c.2497T>C on transcript NM_024753.5 (MANE Select); coding-DNA position 2497, T replaced by C.
Protein change: p.Cys833Arg; replaces cysteine 833 with arginine.
Molecular consequence: missense variant.
Genome position (GRCh38, 1-based): chr2:165,907,749, A>G on the plus strand (T>C on the coding strand, the complement: TTC21B is on the minus strand). VCF-style: chr2-165907749-A-G. GRCh37 (hg19) VCF-style: chr2-166764259-A-G.
Other names: short protein forms C833R.
Identifiers: ClinVar variation 1514293 (VCV001514293.5), dbSNP rs1685788738, ClinGen allele CA349055540.

ClinVar aggregate classification (germline): Uncertain significance (1 of 4 stars; one submission).

Conditions:
Jeune thoracic dystrophy. Also called: Jeune syndrome; Infantile thoracic dystrophy; Thoracic pelvic phalangeal dystrophy; Jeune's syndrome; Chondroectodermal dysplasia-like syndrome; Short-rib thoracic dysplasia. Identifiers: Orphanet 474, MedGen C0265275, MONDO:0018770.
Nephronophthisis. Also called: Juvenile Nephronophthisis. Identifiers: Orphanet 655, MedGen C0687120, MONDO:0019005, HP:0000090.

Submission:

Labcorp Genetics (formerly Invitae), Labcorp
Classification: Uncertain significance for Jeune thoracic dystrophy; Nephronophthisis. Last evaluated: 2022-08-16. Review status: criteria provided, single submitter. Criteria: Invitae Variant Classification Sherloc (09022015). Collection method: clinical testing. Allele origin: germline.
Comment: This variant has not been reported in the literature in individuals affected with TTC21B-related conditions. This sequence change replaces cysteine, which is neutral and slightly polar, with arginine, which is basic and polar, at codon 833 of the TTC21B protein (p.Cys833Arg). This variant is not present in population databases (gnomAD no frequency). ClinVar contains an entry for this variant (Variation ID: 1514293). Algorithms developed to predict the effect of missense changes on protein structure and function (SIFT, PolyPhen-2, Align-GVGD) all suggest that this variant is likely to be tolerated. In summary, the available evidence is currently insufficient to determine the role of this variant in disease. Therefore, it has been classified as a Variant of Uncertain Significance.